The following is an entry in ClinVar:

NM_004818.3(DDX23):c.2127_2132del (p.Asn709_Leu710del)

Gene: DDX23 (DEAD-box helicase 23; minus strand). Cytogenetic location: 12q13.12.
Variant type: Deletion.
Coding change: c.2127_2132del on transcript NM_004818.3 (MANE Select); coding-DNA positions 2127 to 2132, 6 bases deleted (CCTCAA; older notation c.2127_2132delCCTCAA).
Protein change: p.Asn709_Leu710del.
Molecular consequence: inframe deletion.
Genome position (GRCh38, 1-based): chr12:48,831,249-48,831,254, TTGAGG deleted on the plus strand (CCTCAA on the coding strand, the reverse complement: DDX23 is on the minus strand); deleting any 6 consecutive bases within chr12:48,831,249-48,831,257 gives the same sequence; the c. name uses the placement nearest the transcript's 3' end. VCF-style (leftmost placement, unchanged base first): chr12-48831248-CTTGAGG-C. GRCh37 (hg19) VCF-style: chr12-49225031-CTTGAGG-C.
Identifiers: ClinVar variation 1313838 (VCV001313838.3), dbSNP rs2137479865, ClinGen allele CA2573053673.

ClinVar aggregate classification (germline): Pathogenic (1 of 4 stars; one submission).

Submission:

GeneDx
Classification: Pathogenic. Last evaluated: 2022-10-28. Review status: criteria provided, single submitter. Criteria: GeneDx Variant Classification Process June 2021. Collection method: clinical testing. Allele origin: germline. Affected: yes.
Comment: In-frame deletion of 2 amino acids in a non-repeat region; In silico analysis supports a deleterious effect on protein structure/function; Not observed in large population cohorts (gnomAD); Has not been previously published as pathogenic or benign to our knowledge